The following is an entry in ClinVar:

ClinVar aggregate classification (germline): Uncertain significance (1 of 4 stars; one submission).

Conditions:
Hereditary cancer-predisposing syndrome. Also called: Neoplastic Syndromes, Hereditary; Tumor predisposition; Hereditary neoplastic syndrome; Hereditary Cancer Syndrome. Identifiers: Orphanet 140162, MedGen C0027672, MeSH D009386, MONDO:0015356.
Cardiovascular phenotype. Identifiers: MedGen CN230736.

Allele frequency attached by ClinVar (database versions not stated): gnomAD exomes below 0.00001.
gnomAD v4.1: 1 of 1,613,580 alleles (0.000062%); highest among the groups gnomAD compares: Non-Finnish European, 0.000085%; no homozygotes.

Submission:

Ambry Genetics
Classification: Uncertain significance for Cardiovascular phenotype; Hereditary cancer-predisposing syndrome. Last evaluated: 2023-02-15. Review status: criteria provided, single submitter. Criteria: Ambry Variant Classification Scheme 2023. Collection method: clinical testing. Allele origin: germline.
Comment: The p.L356P variant (also known as c.1067T>C), located in coding exon 10 of the NF1 gene, results from a T to C substitution at nucleotide position 1067. The leucine at codon 356 is replaced by proline, an amino acid with similar properties. This amino acid position is highly conserved in available vertebrate species. In addition, the in silico prediction for this alteration is inconclusive. Since supporting evidence is limited at this time, the clinical significance of this alteration remains unclear.

NM_001042492.3(NF1):c.1067T>C (p.Leu356Pro)

Gene: NF1 (neurofibromin 1; plus strand). Cytogenetic location: 17q11.2.
Variant type: single nucleotide variant.
Coding change: c.1067T>C on transcript NM_001042492.3 (MANE Select); coding-DNA position 1067, T replaced by C.
Protein change: p.Leu356Pro; replaces leucine 356 with proline.
Molecular consequence: missense variant.
Genome position (GRCh38, 1-based): chr17:31,201,041, T>C. VCF-style: chr17-31201041-T-C. GRCh37 (hg19) VCF-style: chr17-29528059-T-C.
Other names: c.1067T>C, p.Leu356Pro (NM_000267.4, NM_001128147.3); short protein forms L356P.
Identifiers: ClinVar variation 2452299 (VCV002452299.2), dbSNP rs2143878409, ClinGen allele CA398996687.